The following is an entry in ClinVar:

ClinVar aggregate classification (germline): Uncertain significance (1 of 4 stars; one submission).

Allele frequency attached by ClinVar (database versions not stated): gnomAD exomes below 0.00001; ExAC 0.00001; gnomAD 0.00001; TOPMed 0.00001.
gnomAD v4.1: 7 of 1,612,220 alleles (0.00043%); highest among the groups gnomAD compares: Non-Finnish European, 0.00051%; no homozygotes.

Submission:

Labcorp Genetics (formerly Invitae), Labcorp
Classification: Uncertain significance. Last evaluated: 2023-08-07. Review status: criteria provided, single submitter. Criteria: Invitae Variant Classification Sherloc (09022015). Collection method: clinical testing. Allele origin: germline.
Comment: In summary, the available evidence is currently insufficient to determine the role of this variant in disease. Therefore, it has been classified as a Variant of Uncertain Significance. Advanced modeling of protein sequence and biophysical properties (such as structural, functional, and spatial information, amino acid conservation, physicochemical variation, residue mobility, and thermodynamic stability) has been performed at Invitae for this missense variant, however the output from this modeling did not meet the statistical confidence thresholds required to predict the impact of this variant on WFS1 protein function. This missense change has been observed in individual(s) with autosomal recessive Wolfram syndrome (PMID: 21446023). This variant is present in population databases (rs762665942, gnomAD 0.005%). This sequence change replaces threonine, which is neutral and polar, with methionine, which is neutral and non-polar, at codon 156 of the WFS1 protein (p.Thr156Met).

Literature cited by the submitters: PubMed 21446023.

NM_006005.3(WFS1):c.467C>T (p.Thr156Met)

Gene: WFS1 (wolframin ER transmembrane glycoprotein; plus strand). Cytogenetic location: 4p16.1.
Variant type: single nucleotide variant.
Coding change: c.467C>T on transcript NM_006005.3 (MANE Select); coding-DNA position 467, C replaced by T.
Protein change: p.Thr156Met; replaces threonine 156 with methionine.
Molecular consequence: missense variant.
Genome position (GRCh38, 1-based): chr4:6,291,203, C>T. VCF-style: chr4-6291203-C-T. GRCh37 (hg19) VCF-style: chr4-6292930-C-T.
Other names: c.467C>T, p.Thr156Met (NM_001145853.1); short protein forms T156M.
Identifiers: ClinVar variation 2734642 (VCV002734642.3), dbSNP rs762665942, ClinGen allele CA2838910.